The following is an entry in ClinVar:

NM_024753.5(TTC21B):c.3142A>G (p.Lys1048Glu)

Gene: TTC21B (tetratricopeptide repeat domain 21B; minus strand). Cytogenetic location: 2q24.3.
Variant type: single nucleotide variant.
Coding change: c.3142A>G on transcript NM_024753.5 (MANE Select); coding-DNA position 3142, A replaced by G.
Protein change: p.Lys1048Glu; replaces lysine 1048 with glutamic acid.
Molecular consequence: missense variant.
Genome position (GRCh38, 1-based): chr2:165,890,600, T>C on the plus strand (A>G on the coding strand, the complement: TTC21B is on the minus strand). VCF-style: chr2-165890600-T-C. GRCh37 (hg19) VCF-style: chr2-166747110-T-C.
Other names: c.3142A>G (NM_024753.4); short protein forms K1048E.
Identifiers: ClinVar variation 1985317 (VCV001985317.4), dbSNP rs766301718, ClinGen allele CA1941574.

ClinVar aggregate classification (germline): Uncertain significance. Review status: criteria provided, multiple submitters, no conflicts (2 of 4 stars). 2 submissions from 2 submitters: Uncertain significance (2). Last evaluated 2025-07-31.

Conditions:
Jeune thoracic dystrophy. Also called: Jeune syndrome; Infantile thoracic dystrophy; Thoracic pelvic phalangeal dystrophy; Jeune's syndrome; Chondroectodermal dysplasia-like syndrome; Short-rib thoracic dysplasia. Identifiers: Orphanet 474, MedGen C0265275, MONDO:0018770.
Nephronophthisis. Also called: Juvenile Nephronophthisis. Identifiers: Orphanet 655, MedGen C0687120, MONDO:0019005, HP:0000090.

Allele frequency attached by ClinVar (database versions not stated): TOPMed below 0.00001; ExAC 0.00001; gnomAD 0.00001; gnomAD exomes 0.00001.
gnomAD v4.1: 17 of 1,613,744 alleles (0.0011%); highest among the groups gnomAD compares: Non-Finnish European, 0.0013%; no homozygotes.

Submissions (2):

GeneDx
Classification: Uncertain significance. Last evaluated: 2025-07-31. Review status: criteria provided, single submitter. Criteria: GeneDx Variant Classification Process June 2021. Collection method: clinical testing. Allele origin: germline. Affected: yes.
Comment: Not observed at significant frequency in large population cohorts (gnomAD); In silico analysis supports that this missense variant has a deleterious effect on protein structure/function; Has not been previously published as pathogenic or benign to our knowledge

Labcorp Genetics (formerly Invitae), Labcorp
Classification: Uncertain significance for Jeune thoracic dystrophy; Nephronophthisis. Last evaluated: 2024-10-21. Review status: criteria provided, single submitter. Criteria: Invitae Variant Classification Sherloc (09022015). Collection method: clinical testing. Allele origin: germline.
Comment: This sequence change replaces lysine, which is basic and polar, with glutamic acid, which is acidic and polar, at codon 1048 of the TTC21B protein (p.Lys1048Glu). The frequency data for this variant in the population databases is considered unreliable, as metrics indicate poor data quality at this position in the gnomAD database. This variant has not been reported in the literature in individuals affected with TTC21B-related conditions. ClinVar contains an entry for this variant (Variation ID: 1985317). Invitae Evidence Modeling of protein sequence and biophysical properties (such as structural, functional, and spatial information, amino acid conservation, physicochemical variation, residue mobility, and thermodynamic stability) indicates that this missense variant is not expected to disrupt TTC21B protein function with a negative predictive value of 80%. In summary, the available evidence is currently insufficient to determine the role of this variant in disease. Therefore, it has been classified as a Variant of Uncertain Significance.